The following is an entry in ClinVar:

ClinVar aggregate classification (germline): Uncertain significance (1 of 4 stars; one submission).

Allele frequency attached by ClinVar (database versions not stated): gnomAD exomes below 0.00001.
gnomAD v4.1: 1 of 1,614,156 alleles (0.000062%); highest among the groups gnomAD compares: South Asian, 0.0011%; no homozygotes.

Submission:

GeneDx
Classification: Uncertain significance. Last evaluated: 2019-05-03. Review status: criteria provided, single submitter. Criteria: GeneDx Variant Classification Process June 2021. Collection method: clinical testing. Allele origin: germline. Affected: yes.
Comment: Not observed in large population cohorts (Lek et al., 2016); In silico analysis, which includes protein predictors and evolutionary conservation, supports a deleterious effect; Has not been previously published as pathogenic or benign to our knowledge

NM_153704.6(TMEM67):c.166G>T (p.Asp56Tyr)

Gene: TMEM67 (transmembrane protein 67; plus strand). Cytogenetic location: 8q22.1.
Variant type: single nucleotide variant.
Coding change: c.166G>T on transcript NM_153704.6 (MANE Select); coding-DNA position 166, G replaced by T.
Protein change: p.Asp56Tyr; replaces aspartic acid 56 with tyrosine.
Molecular consequence: missense variant. On other transcripts: 5 prime UTR variant (1), non-coding transcript variant (1).
Genome position (GRCh38, 1-based): chr8:93,755,080, G>T. VCF-style: chr8-93755080-G-T. GRCh37 (hg19) VCF-style: chr8-94767308-G-T.
Other names: c.-119G>T (NM_001142301.1); short protein forms D56Y.
Identifiers: ClinVar variation 1305631 (VCV001305631.2), dbSNP rs2130522683, ClinGen allele CA371685383.